The following is an entry in ClinVar:

ClinVar aggregate classification (germline): Likely pathogenic (1 of 4 stars; one submission).

Submission:

Centre of Medical Genetics, University Hospital Muenster
Classification: Likely pathogenic. Last evaluated: 2022-11-17. Review status: criteria provided, single submitter. Criteria: ACMG Guidelines, 2015. Collection method: clinical testing. Allele origin: unknown. Affected: yes. Observed: 1 variant allele, 1 heterozygote.
Comment: ACMG categories: PM2,PM3,PP1,PP3

NM_020549.5(CHAT):c.1885G>A (p.Glu629Lys)

Gene: CHAT (choline O-acetyltransferase; plus strand). Cytogenetic location: 10q11.23.
Variant type: single nucleotide variant.
Coding change: c.1885G>A on transcript NM_020549.5 (MANE Select); coding-DNA position 1885, G replaced by A.
Protein change: p.Glu629Lys; replaces glutamic acid 629 with lysine.
Molecular consequence: missense variant.
Genome position (GRCh38, 1-based): chr10:49,662,690, G>A. VCF-style: chr10-49662690-G-A. GRCh37 (hg19) VCF-style: chr10-50870736-G-A.
Other names: c.1531G>A, p.Glu511Lys (NM_001142929.2, NM_001142934.2, NM_020984.4 and 2 more transcripts); c.1639G>A, p.Glu547Lys (NM_001142933.2); short protein forms E511K, E547K, E629K.
Identifiers: ClinVar variation 3383391 (VCV003383391.2).